The following is an entry in ClinVar:

ClinVar aggregate classification (germline): Likely pathogenic (1 of 4 stars; one submission).

Conditions:
Jeune thoracic dystrophy. Also called: Jeune syndrome; Infantile thoracic dystrophy; Thoracic pelvic phalangeal dystrophy; Jeune's syndrome; Chondroectodermal dysplasia-like syndrome; Short-rib thoracic dysplasia. Identifiers: Orphanet 474, MedGen C0265275, MONDO:0018770.

Allele frequency attached by ClinVar (database versions not stated): gnomAD exomes below 0.00001; TOPMed below 0.00001; gnomAD 0.00001.
gnomAD v4.1: 2 of 1,613,160 alleles (0.00012%); highest among the groups gnomAD compares: Non-Finnish European, 0.00017%; no homozygotes.

Submission:

Labcorp Genetics (formerly Invitae), Labcorp
Classification: Likely pathogenic for Jeune thoracic dystrophy. Last evaluated: 2023-12-01. Review status: criteria provided, single submitter. Criteria: Invitae Variant Classification Sherloc (09022015). Collection method: clinical testing. Allele origin: germline.
Comment: This sequence change replaces proline, which is neutral and non-polar, with serine, which is neutral and polar, at codon 3388 of the DYNC2H1 protein (p.Pro3388Ser). This variant is not present in population databases (gnomAD no frequency). This variant has not been reported in the literature in individuals affected with DYNC2H1-related conditions. Advanced modeling of protein sequence and biophysical properties (such as structural, functional, and spatial information, amino acid conservation, physicochemical variation, residue mobility, and thermodynamic stability) performed at Invitae indicates that this missense variant is expected to disrupt DYNC2H1 protein function with a positive predictive value of 95%. This variant disrupts the p.Pro3388 amino acid residue in DYNC2H1. Other variant(s) that disrupt this residue have been determined to be pathogenic (PMID: 23456818, 29068549, 31415973). This suggests that this residue is clinically significant, and that variants that disrupt this residue are likely to be disease-causing. In summary, the currently available evidence indicates that the variant is pathogenic, but additional data are needed to prove that conclusively. Therefore, this variant has been classified as Likely Pathogenic.

Literature cited by the submitters: PubMed 23456818; PubMed 29068549; PubMed 31415973.

NM_001377.3(DYNC2H1):c.10141C>T (p.Pro3381Ser)

Gene: DYNC2H1 (dynein cytoplasmic 2 heavy chain 1; plus strand). Cytogenetic location: 11q22.3.
Variant type: single nucleotide variant.
Coding change: c.10141C>T on transcript NM_001377.3 (MANE Select); coding-DNA position 10141, C replaced by T.
Protein change: p.Pro3381Ser; replaces proline 3381 with serine.
Molecular consequence: missense variant.
Genome position (GRCh38, 1-based): chr11:103,253,383, C>T. VCF-style: chr11-103253383-C-T. GRCh37 (hg19) VCF-style: chr11-103124112-C-T.
Other names: c.10162C>T, p.Pro3388Ser (NM_001080463.2); short protein forms P3388S, P3381S.
Identifiers: ClinVar variation 2899223 (VCV002899223.3), dbSNP rs1864916526, ClinGen allele CA382248172.